The following is an entry in ClinVar:

NM_001291415.2(KDM6A):c.3146T>C (p.Met1049Thr)

Gene: KDM6A (lysine demethylase 6A; plus strand). Cytogenetic location: Xp11.3.
Variant type: single nucleotide variant.
Coding change: c.3146T>C on transcript NM_001291415.2 (MANE Select); coding-DNA position 3146, T replaced by C.
Protein change: p.Met1049Thr; replaces methionine 1049 with threonine.
Molecular consequence: missense variant. On other transcripts: non-coding transcript variant (1).
Genome position (GRCh38, 1-based): chrX:45,079,197, T>C. VCF-style: chrX-45079197-T-C. GRCh37 (hg19) VCF-style: chrX-44938442-T-C.
Other names: c.3011T>C, p.Met1004Thr (NM_001291416.2); c.2855T>C, p.Met952Thr (NM_001291417.2); c.2753T>C, p.Met918Thr (NM_001291418.2); c.2102T>C, p.Met701Thr (NM_001291421.2); c.2990T>C, p.Met997Thr (NM_021140.4); short protein forms M1004T, M1049T, M701T, M918T, M952T, M997T.
Identifiers: ClinVar variation 1314221 (VCV001314221.6), dbSNP rs202194372, ClinGen allele CA10392624.

ClinVar aggregate classification (germline): Uncertain significance. Review status: criteria provided, multiple submitters, no conflicts (2 of 4 stars). 2 submissions from 2 submitters: Uncertain significance (2). Last evaluated 2025-08-21.

Conditions:
Kabuki syndrome 2 (KABUK2). Also called: KDM6A-Related Kabuki Syndrome. Identifiers: Orphanet 2322, MedGen C3275495, MONDO:0010465, OMIM 300867.

Allele frequency attached by ClinVar (database versions not stated): ExAC 0.00001; gnomAD 0.00001; gnomAD exomes 0.00001 and 0.00002; 1000 Genomes Project 30x 0.00021; 1000 Genomes Project 0.00026.

Submissions (2):

Labcorp Genetics (formerly Invitae), Labcorp
Classification: Uncertain significance for Kabuki syndrome 2. Last evaluated: 2025-08-21. Review status: criteria provided, single submitter. Criteria: Invitae Variant Classification Sherloc (09022015). Collection method: clinical testing. Allele origin: germline.
Comment: This sequence change replaces methionine, which is neutral and non-polar, with threonine, which is neutral and polar, at codon 997 of the KDM6A protein (p.Met997Thr). This variant is present in population databases (rs202194372, gnomAD 0.001%). This variant has not been reported in the literature in individuals affected with KDM6A-related conditions. ClinVar contains an entry for this variant (Variation ID: 1314221). Invitae Evidence Modeling of protein sequence and biophysical properties (such as structural, functional, and spatial information, amino acid conservation, physicochemical variation, residue mobility, and thermodynamic stability) indicates that this missense variant is not expected to disrupt KDM6A protein function with a negative predictive value of 80%. In summary, the available evidence is currently insufficient to determine the role of this variant in disease. Therefore, it has been classified as a Variant of Uncertain Significance.

GeneDx
Classification: Uncertain significance. Last evaluated: 2024-04-01. Review status: criteria provided, single submitter. Criteria: GeneDx Variant Classification Process June 2021. Collection method: clinical testing. Allele origin: germline. Affected: yes.
Comment: In silico analysis supports that this missense variant has a deleterious effect on protein structure/function; Has not been previously published as pathogenic or benign to our knowledge